The following is an entry in ClinVar:

NM_002880.4(RAF1):c.1349G>A (p.Arg450Gln)

Gene: RAF1 (Raf-1 proto-oncogene, serine/threonine kinase; minus strand). Cytogenetic location: 3p25.2.
Variant type: single nucleotide variant.
Coding change: c.1349G>A on transcript NM_002880.4 (MANE Select); coding-DNA position 1349, G replaced by A.
Protein change: p.Arg450Gln; replaces arginine 450 with glutamine.
Molecular consequence: missense variant. On other transcripts: non-coding transcript variant (3).
Genome position (GRCh38, 1-based): chr3:12,590,819, C>T on the plus strand (G>A on the coding strand, the complement: RAF1 is on the minus strand). VCF-style: chr3-12590819-C-T. GRCh37 (hg19) VCF-style: chr3-12632318-C-T.
Other names: c.1409G>A, p.Arg470Gln (NM_001354689.3); c.1349G>A, p.Arg450Gln (NM_001354690.3); c.1106G>A, p.Arg369Gln (NM_001354691.3, NM_001354692.3); c.1250G>A, p.Arg417Gln (NM_001354693.3); c.1166G>A, p.Arg389Gln (NM_001354694.3); c.1007G>A, p.Arg336Gln (NM_001354695.3); short protein forms R450Q, R336Q, R389Q, R470Q, R417Q, R369Q.
Identifiers: ClinVar variation 280433 (VCV000280433.8), dbSNP rs886041642, ClinGen allele CA10602875.

ClinVar aggregate classification (germline): Uncertain significance. Review status: criteria provided, multiple submitters, no conflicts (2 of 4 stars). 2 submissions from 2 submitters: Uncertain significance (2). Last evaluated 2024-01-10.

Conditions:
RASopathy. Also called: rasopathies; Noonan spectrum disorder. Identifiers: Orphanet 536391, MedGen C5555857, MONDO:0021060.

gnomAD v4.1: 4 of 1,613,716 alleles (0.00025%); highest among the groups gnomAD compares: Non-Finnish European, 0.00017%; no homozygotes.

Submissions (2):

Labcorp Genetics (formerly Invitae), Labcorp
Classification: Uncertain significance for RASopathy. Last evaluated: 2024-01-10. Review status: criteria provided, single submitter. Criteria: Invitae Variant Classification Sherloc (09022015). Collection method: clinical testing. Allele origin: germline.
Comment: This sequence change replaces arginine, which is basic and polar, with glutamine, which is neutral and polar, at codon 450 of the RAF1 protein (p.Arg450Gln). This variant is not present in population databases (gnomAD no frequency). This variant has not been reported in the literature in individuals affected with RAF1-related conditions. This variant is also known as 3:12590819:C:T. ClinVar contains an entry for this variant (Variation ID: 280433). Advanced modeling of protein sequence and biophysical properties (such as structural, functional, and spatial information, amino acid conservation, physicochemical variation, residue mobility, and thermodynamic stability) performed at Invitae indicates that this missense variant is expected to disrupt RAF1 protein function with a positive predictive value of 95%. In summary, the available evidence is currently insufficient to determine the role of this variant in disease. Therefore, it has been classified as a Variant of Uncertain Significance.

GeneDx
Classification: Uncertain significance. Last evaluated: 2022-05-03. Review status: criteria provided, single submitter. Criteria: GeneDx Variant Classification Process June 2021. Collection method: clinical testing. Allele origin: germline. Affected: yes.
Comment: Not observed at significant frequency in large population cohorts (gnomAD); Missense variants in this gene are often considered pathogenic (HGMD); In silico analysis supports that this missense variant has a deleterious effect on protein structure/function; Has not been previously published as pathogenic or benign to our knowledge; This variant is associated with the following publications: (PMID: 29493581)